The following is an entry in ClinVar:

ClinVar aggregate classification (germline): Uncertain significance (1 of 4 stars; one submission).

Conditions:
Hereditary pheochromocytoma and paraganglioma. Also called: Hereditary paragangliomas and pheochromocytomas; Hereditary Paraganglioma-Pheochromocytoma Syndromes; Hereditary pheochromocytoma-paraganglioma. Identifiers: Orphanet 29072, MedGen C4274332, MONDO:0017366.

Submission:

Labcorp Genetics (formerly Invitae), Labcorp
Classification: Uncertain significance for Hereditary pheochromocytoma and paraganglioma. Last evaluated: 2021-03-10. Review status: criteria provided, single submitter. Criteria: Invitae Variant Classification Sherloc (09022015). Collection method: clinical testing. Allele origin: germline.
Comment: This sequence change replaces phenylalanine with cysteine at codon 111 of the TMEM127 protein (p.Phe111Cys). The phenylalanine residue is highly conserved and there is a large physicochemical difference between phenylalanine and cysteine. This variant is not present in population databases (ExAC no frequency). This variant has not been reported in the literature in individuals with TMEM127-related conditions. Algorithms developed to predict the effect of missense changes on protein structure and function (SIFT, PolyPhen-2, Align-GVGD) all suggest that this variant is likely to be disruptive, but these predictions have not been confirmed by published functional studies and their clinical significance is uncertain. In summary, the available evidence is currently insufficient to determine the role of this variant in disease. Therefore, it has been classified as a Variant of Uncertain Significance.

NM_017849.4(TMEM127):c.332T>G (p.Phe111Cys)

Gene: TMEM127 (transmembrane protein 127; minus strand). Cytogenetic location: 2q11.2.
Variant type: single nucleotide variant.
Coding change: c.332T>G on transcript NM_017849.4 (MANE Select); coding-DNA position 332, T replaced by G.
Protein change: p.Phe111Cys; replaces phenylalanine 111 with cysteine.
Molecular consequence: missense variant.
Genome position (GRCh38, 1-based): chr2:96,254,910, A>C on the plus strand (T>G on the coding strand, the complement: TMEM127 is on the minus strand). VCF-style: chr2-96254910-A-C. GRCh37 (hg19) VCF-style: chr2-96920648-A-C.
Other names: c.332T>G, p.Phe111Cys (NM_001193304.3); short protein forms F111C.
Identifiers: ClinVar variation 1486894 (VCV001486894.8), dbSNP rs2104287330, ClinGen allele CA347653428.
Genomic context (GRCh38, chr2:96,254,910, plus strand): 5'-AAGGCATAGCGACGAGTGATCTTCAGAGCAGGATGCTTCGGCCCAAAGACATCCAGAAGG[A>C]AAGCGGAGAGACTACACAGGATGCCCAGGAAACAGAAGGCGGCGATGACCCGCAGGAGCA-3'
Protein context (NP_060319.1, residues 101-121): FLGILCSLSA[Phe111Cys]LLDVFGPKHP